The following is an entry in ClinVar:

NM_001276270.2(MBD4):c.1682A>C (p.His561Pro)

Gene: MBD4 (methyl-CpG binding domain 4, DNA glycosylase; minus strand). Cytogenetic location: 3q21.3.
Variant type: single nucleotide variant.
Coding change: c.1682A>C on transcript NM_001276270.2 (MANE Select); coding-DNA position 1682, A replaced by C.
Protein change: p.His561Pro; replaces histidine 561 with proline.
Molecular consequence: missense variant. On other transcripts: 3 prime UTR variant (1).
Genome position (GRCh38, 1-based): chr3:129,431,544, T>G on the plus strand (A>C on the coding strand, the complement: MBD4 is on the minus strand). VCF-style: chr3-129431544-T-G. GRCh37 (hg19) VCF-style: chr3-129150387-T-G.
Other names: c.*24A>C (NM_001276272.2); c.746A>C, p.His249Pro (NM_001276273.2); c.1700A>C, p.His567Pro (NM_003925.3); short protein forms H249P, H561P, H567P.
Identifiers: ClinVar variation 3645147 (VCV003645147.2).

ClinVar aggregate classification (germline): Uncertain significance (1 of 4 stars; one submission).

Submission:

Labcorp Genetics (formerly Invitae), Labcorp
Classification: Uncertain significance. Last evaluated: 2024-03-09. Review status: criteria provided, single submitter. Criteria: Invitae Variant Classification Sherloc (09022015). Collection method: clinical testing. Allele origin: germline.
Comment: This sequence change replaces histidine, which is basic and polar, with proline, which is neutral and non-polar, at codon 567 of the MBD4 protein (p.His567Pro). This variant is not present in population databases (gnomAD no frequency). This variant has not been reported in the literature in individuals affected with MBD4-related conditions. An algorithm developed to predict the effect of missense changes on protein structure and function (PolyPhen-2) suggests that this variant is likely to be disruptive. In summary, the available evidence is currently insufficient to determine the role of this variant in disease. Therefore, it has been classified as a Variant of Uncertain Significance.